The following is an entry in ClinVar:

NM_001355436.2(SPTB):c.3G>A (p.Met1Ile)

Gene: SPTB (spectrin beta, erythrocytic; minus strand). Cytogenetic location: 14q23.3.
Variant type: single nucleotide variant.
Coding change: c.3G>A on transcript NM_001355436.2 (MANE Select); coding-DNA position 3, G replaced by A.
Protein change: p.Met1Ile; changes the start codon (methionine 1).
Molecular consequence: missense variant, initiator codon variant.
Genome position (GRCh38, 1-based): chr14:64,823,092, C>T on the plus strand (G>A on the coding strand, the complement: SPTB is on the minus strand). VCF-style: chr14-64823092-C-T. GRCh37 (hg19) VCF-style: chr14-65289810-C-T.
Other names: p.Met1?; c.3G>A (NM_001024858.2); c.3G>A, p.Met1Ile (NM_001024858.4, NM_001355437.2); short protein forms M1I.
Identifiers: ClinVar variation 2683265 (VCV002683265.3), dbSNP rs2503302943, ClinGen allele CA390038488.

ClinVar aggregate classification (germline): Conflicting classifications of pathogenicity. Review status: criteria provided, conflicting classifications (1 of 4 stars). 3 submissions from 3 submitters: Pathogenic (1); Likely pathogenic (1); Uncertain significance (1). Last evaluated 2025-12-23.

Conditions:
SPTB-related disorder. Also called: SPTB-related condition; SPTB-Related Disorders.

Submissions (3):

Labcorp Genetics (formerly Invitae), Labcorp
Classification: Pathogenic. Last evaluated: 2025-12-23. Review status: criteria provided, single submitter. Criteria: Invitae Variant Classification Sherloc (09022015). Collection method: clinical testing. Allele origin: germline.
Comment: This sequence change affects the initiator codon of the SPTB mRNA. This change may impact translation initiation or efficiency. The next in-frame methionine is located at codon 87. This variant is not present in population databases (gnomAD no frequency). Disruption of the initiator codon has been observed in individual(s) with clinical features of hereditary spherocytosis (internal data). ClinVar contains an entry for this variant (Variation ID: 2683265). This variant disrupts a region of the SPTB protein in which other variant(s) (p.Arg52Trp) have been determined to be pathogenic (PMID: 34093240, 36035481, 37357001, 38434532; internal data). This suggests that this is a clinically significant region of the protein, and that variants that disrupt it are likely to be disease-causing. For these reasons, this variant has been classified as Pathogenic.

PreventionGenetics, part of Exact Sciences
Classification: Likely pathogenic for SPTB-related condition. Last evaluated: 2025-07-03. Review status: criteria provided, single submitter. Criteria: ACMG Guidelines, 2015. Collection method: clinical testing. Allele origin: germline.
Comment: The SPTB c.3G>A variant is predicted to disrupt the translation initiation site (Start Loss). To our knowledge, this variant has not been reported in the literature or in a large population database (gnomAD), indicating this variant is rare. However, two alternate nucleotide substitutions within the SPTB initiation codon (c.1A>G, c.1A>C) have been reported in the heterozygous state in individuals with hereditary spherocytosis (Bassères et al. 1998. PubMed ID: 9414314; Wang et al. 2018. PubMed ID: 29572776; Table S3, Choi et al. 2019. PubMed ID: 31122244). Taken together, the c.3G>A variant is interpreted as likely pathogenic.

Mayo Clinic Laboratories, Mayo Clinic
Classification: Uncertain significance. Last evaluated: 2022-07-08. Review status: criteria provided, single submitter. Criteria: ACMG Guidelines, 2015. Collection method: clinical testing. Allele origin: germline. Observed: 1 variant allele.
Comment: PM2, PVS1_moderate

Literature cited by the submitters: PubMed 34093240 (cited by Labcorp Genetics (formerly Invitae), Labcorp); PubMed 36035481 (cited by Labcorp Genetics (formerly Invitae), Labcorp); PubMed 37357001 (cited by Labcorp Genetics (formerly Invitae), Labcorp); PubMed 38434532 (cited by Labcorp Genetics (formerly Invitae), Labcorp).